The following is an entry in ClinVar:

NM_001797.4(CDH11):c.1666C>T (p.Arg556Trp)

Gene: CDH11 (cadherin 11; minus strand). Cytogenetic location: 16q21.
Variant type: single nucleotide variant.
Coding change: c.1666C>T on transcript NM_001797.4 (MANE Select); coding-DNA position 1666, C replaced by T.
Protein change: p.Arg556Trp; replaces arginine 556 with tryptophan.
Molecular consequence: missense variant.
Genome position (GRCh38, 1-based): chr16:64,950,995, G>A on the plus strand (C>T on the coding strand, the complement: CDH11 is on the minus strand). VCF-style: chr16-64950995-G-A. GRCh37 (hg19) VCF-style: chr16-64984898-G-A.
Other names: c.1666C>T, p.Arg556Trp (NM_001308392.2); c.1288C>T, p.Arg430Trp (NM_001330576.2); short protein forms R430W, R556W.
Identifiers: ClinVar variation 2236701 (VCV002236701.26), dbSNP rs147033764, ClinGen allele CA396526301.

ClinVar aggregate classification (germline): Uncertain significance. Review status: criteria provided, multiple submitters, no conflicts (2 of 4 stars). 2 submissions from 2 submitters: Uncertain significance (2). Last evaluated 2023-08-01.

Conditions:
Inborn genetic diseases. Identifiers: MedGen C0950123, MeSH D030342.

gnomAD v4.1: 6 of 1,613,870 alleles (0.00037%); highest among the groups gnomAD compares: African/African-American, 0.004%; no homozygotes.

Submissions (2):

CeGaT Center for Human Genetics Tuebingen
Classification: Uncertain significance. Last evaluated: 2023-08-01. Review status: criteria provided, single submitter. Criteria: CeGaT Center For Human Genetics Tuebingen Variant Classification Criteria Version 2. Collection method: clinical testing. Allele origin: germline. Affected: yes. Observed: 1 variant allele.
Comment: CDH11: PM2, BP4

Ambry Genetics
Classification: Uncertain significance for Inborn genetic diseases. Last evaluated: 2021-07-13. Review status: criteria provided, single submitter. Criteria: Ambry Variant Classification Scheme 2023. Collection method: clinical testing. Allele origin: germline.